The following is an entry in ClinVar:

ClinVar aggregate classification (germline): Uncertain significance (1 of 4 stars; one submission).

Conditions:
Birt-Hogg-Dube syndrome. Also called: Birt Hogg Dubé syndrome. Identifiers: Orphanet 122, MedGen C0346010, MONDO:0800444.

Submission:

Labcorp Genetics (formerly Invitae), Labcorp
Classification: Uncertain significance for Birt-Hogg-Dube syndrome. Last evaluated: 2020-01-11. Review status: criteria provided, single submitter. Criteria: Invitae Variant Classification Sherloc (09022015). Collection method: clinical testing. Allele origin: germline.
Comment: This variant is not present in population databases (ExAC no frequency). This sequence change replaces alanine with threonine at codon 219 of the FLCN protein (p.Ala219Thr). The alanine residue is moderately conserved and there is a small physicochemical difference between alanine and threonine. In summary, the available evidence is currently insufficient to determine the role of this variant in disease. Therefore, it has been classified as a Variant of Uncertain Significance. Algorithms developed to predict the effect of missense changes on protein structure and function (SIFT, PolyPhen-2, Align-GVGD) all suggest that this variant is likely to be tolerated, but these predictions have not been confirmed by published functional studies and their clinical significance is uncertain. This variant has not been reported in the literature in individuals with FLCN-related conditions.

NM_144997.7(FLCN):c.655G>A (p.Ala219Thr)

Gene: FLCN (folliculin; minus strand). Cytogenetic location: 17p11.2.
Variant type: single nucleotide variant.
Coding change: c.655G>A on transcript NM_144997.7 (MANE Select); coding-DNA position 655, G replaced by A.
Protein change: p.Ala219Thr; replaces alanine 219 with threonine.
Molecular consequence: missense variant.
Genome position (GRCh38, 1-based): chr17:17,222,625, C>T on the plus strand (G>A on the coding strand, the complement: FLCN is on the minus strand). VCF-style: chr17-17222625-C-T. GRCh37 (hg19) VCF-style: chr17-17125939-C-T.
Other names: c.709G>A, p.Ala237Thr (NM_001353229.2); c.655G>A, p.Ala219Thr (NM_001353230.2, NM_001353231.2, NM_144606.7); short protein forms A219T, A237T.
Identifiers: ClinVar variation 856595 (VCV000856595.7), dbSNP rs2047129580, ClinGen allele CA398534077.